The following is an entry in ClinVar:

ClinVar aggregate classification (germline): Uncertain significance. Review status: criteria provided, multiple submitters, no conflicts (2 of 4 stars). 2 submissions from 2 submitters: Uncertain significance (2). Last evaluated 2022-05-31.

Allele frequency attached by ClinVar (database versions not stated): gnomAD 0.00001.
gnomAD v4.1: 7 of 1,550,510 alleles (0.00045%); highest among the groups gnomAD compares: Non-Finnish European, 0.00061%; no homozygotes.

Submissions (2):

GeneDx
Classification: Uncertain significance. Last evaluated: 2022-05-31. Review status: criteria provided, single submitter. Criteria: GeneDx Variant Classification Process June 2021. Collection method: clinical testing. Allele origin: germline. Affected: yes.
Comment: Not observed at significant frequency in large population cohorts (gnomAD); In silico analysis supports that this missense variant has a deleterious effect on protein structure/function; Has not been previously published as pathogenic or benign to our knowledge

Laboratory for Molecular Medicine, Mass General Brigham Personalized Medicine
Classification: Uncertain significance. Last evaluated: 2020-01-14. Review status: criteria provided, single submitter. Criteria: LMM Criteria. Collection method: clinical testing. Allele origin: germline. Observed: 1 variant allele.
Comment: The p.Met2215Lys variant in OTOG has not been previously reported in individuals with hearing loss, but has been identified in 0.006% (1/15428) of European chromosomes by gnomAD. Computational prediction tools and conservation analysis suggest that this variant may not impact the protein, though this information is not predictive enough to rule out pathogenicity. In summary, the clinical significance of this variant is uncertain. ACMG/AMP Criteria applied: PM2, BP4.

NM_001292063.2(OTOG):c.6608T>A (p.Met2203Lys)

Gene: OTOG (otogelin; plus strand). Cytogenetic location: 11p15.1.
Variant type: single nucleotide variant.
Coding change: c.6608T>A on transcript NM_001292063.2 (MANE Select); coding-DNA position 6608, T replaced by A.
Protein change: p.Met2203Lys; replaces methionine 2203 with lysine.
Molecular consequence: missense variant.
Genome position (GRCh38, 1-based): chr11:17,629,212, T>A. VCF-style: chr11-17629212-T-A. GRCh37 (hg19) VCF-style: chr11-17650759-T-A.
Other names: c.6644T>A, p.Met2215Lys (NM_001277269.2); short protein forms M2215K, M2203K.
Identifiers: ClinVar variation 930158 (VCV000930158.5), dbSNP rs1311003002, ClinGen allele CA379808014.